The following is an entry in ClinVar:

ClinVar aggregate classification (germline): Uncertain significance (1 of 4 stars; one submission).

gnomAD v4.1: 2 of 1,614,130 alleles (0.00012%); highest among the groups gnomAD compares: Non-Finnish European, 0.00017%; no homozygotes.

Submission:

Labcorp Genetics (formerly Invitae), Labcorp
Classification: Uncertain significance. Last evaluated: 2025-09-01. Review status: criteria provided, single submitter. Criteria: Invitae Variant Classification Sherloc (09022015). Collection method: clinical testing. Allele origin: germline.
Comment: This sequence change replaces alanine, which is neutral and non-polar, with threonine, which is neutral and polar, at codon 183 of the MYH3 protein (p.Ala183Thr). This variant is not present in population databases (gnomAD no frequency). This variant has not been reported in the literature in individuals affected with MYH3-related conditions. Invitae Evidence Modeling of protein sequence and biophysical properties (such as structural, functional, and spatial information, amino acid conservation, physicochemical variation, residue mobility, and thermodynamic stability) has been performed for this missense variant. However, the output from this modeling did not meet the statistical confidence thresholds required to predict the impact of this variant on MYH3 protein function. In summary, the available evidence is currently insufficient to determine the role of this variant in disease. Therefore, it has been classified as a Variant of Uncertain Significance.

NM_002470.4(MYH3):c.547G>A (p.Ala183Thr)

Gene: MYH3 (myosin heavy chain 3; minus strand). Cytogenetic location: 17p13.1.
Variant type: single nucleotide variant.
Coding change: c.547G>A on transcript NM_002470.4 (MANE Select); coding-DNA position 547, G replaced by A.
Protein change: p.Ala183Thr; replaces alanine 183 with threonine.
Molecular consequence: missense variant.
Genome position (GRCh38, 1-based): chr17:10,649,672, C>T on the plus strand (G>A on the coding strand, the complement: MYH3 is on the minus strand). VCF-style: chr17-10649672-C-T. GRCh37 (hg19) VCF-style: chr17-10552989-C-T.
Other names: short protein forms A183T.
Identifiers: ClinVar variation 4750292 (VCV004750292.1).